The following is an entry in ClinVar:

ClinVar aggregate classification (germline): Benign/Likely benign. Review status: criteria provided, multiple submitters, no conflicts (2 of 4 stars). 2 submissions from 2 submitters: Benign (1); Likely benign (1). Last evaluated 2026-07-02.

Conditions:
Sessile serrated polyposis cancer syndrome (SSPCS). Identifiers: Orphanet 157798, MedGen C4310714, MONDO:0014919, OMIM 617108.

Submissions (2):

Myriad Genetics, Inc.
Classification: Benign for Sessile serrated polyposis cancer syndrome. Last evaluated: 2026-07-02. Review status: criteria provided, single submitter. Criteria: Myriad Autosomal Dominant, Autosomal Recessive and X-Linked Classification Criteria (2023). Collection method: clinical testing. Allele origin: unknown.
Comment: This variant is considered benign. This variant is a silent/synonymous amino acid change and it is not expected to impact splicing.

Ambry Genetics
Classification: Likely benign. Last evaluated: 2025-11-28. Review status: criteria provided, single submitter. Criteria: Ambry Variant Classification Scheme 2023. Collection method: clinical testing. Allele origin: germline.

NM_017763.6(RNF43):c.1959G>A (p.Gln653=)

Gene: RNF43 (ring finger protein 43; minus strand). Cytogenetic location: 17q22.
Variant type: single nucleotide variant.
Coding change: c.1959G>A on transcript NM_017763.6 (MANE Select); coding-DNA position 1959, G replaced by A.
Protein change: p.Gln653=; no amino-acid change (glutamine 653 retained).
Molecular consequence: synonymous variant.
Genome position (GRCh38, 1-based): chr17:58,357,817, C>T on the plus strand (G>A on the coding strand, the complement: RNF43 is on the minus strand). VCF-style: chr17-58357817-C-T. GRCh37 (hg19) VCF-style: chr17-56435178-C-T.
Other names: c.1959G>A, p.Gln653= (NM_001305544.3, NM_001438820.1, NM_001438821.1 and 1 more transcripts); c.1578G>A, p.Gln526= (NM_001305545.2, NM_001437987.1).
Identifiers: ClinVar variation 4579010 (VCV004579010.2).